The following is an entry in ClinVar:

NM_177438.3(DICER1):c.5428G>T (p.Asp1810Tyr)

Gene: DICER1 (dicer 1, ribonuclease III; minus strand). Cytogenetic location: 14q32.13.
Variant type: single nucleotide variant.
Coding change: c.5428G>T on transcript NM_177438.3 (MANE Select); coding-DNA position 5428, G replaced by T.
Protein change: p.Asp1810Tyr; replaces aspartic acid 1810 with tyrosine.
Molecular consequence: missense variant. On other transcripts: intron variant (1).
Genome position (GRCh38, 1-based): chr14:95,091,302, C>A on the plus strand (G>T on the coding strand, the complement: DICER1 is on the minus strand). VCF-style: chr14-95091302-C-A. GRCh37 (hg19) VCF-style: chr14-95557639-C-A.
Other names: NM_177438.3(DICER1):c.5428G>T; p.Asp1810Tyr; c.5428G>T, p.Asp1810Tyr (NM_001271282.3, NM_001291628.2, NM_030621.4); c.5365-193G>T (NM_001195573.1); short protein forms D1810Y.
Identifiers: ClinVar variation 933084 (VCV000933084.14), dbSNP rs775912475, ClinGen allele CA390864677.

ClinVar aggregate classification (germline): Pathogenic. Review status: reviewed by expert panel (3 of 4 stars). 4 submissions from 4 submitters: Pathogenic (1). 3 of the submissions do not count toward it. Last evaluated 2025-01-07.
ClinVar aggregate classification (somatic clinical impact): Tier I - Strong. Review status: criteria provided, multiple submitters. 4 submissions from 2 submitters. 1 of the submissions does not count toward it. Last evaluated 2024-08-18.

Conditions:
DICER1-related tumor predisposition. Also called: DICER1 syndrome; DICER1-related pleuropulmonary blastoma cancer predisposition syndrome. Identifiers: Orphanet 284343, MedGen C3839822, MONDO:0100216.
Hereditary cancer-predisposing syndrome. Also called: Hereditary neoplastic syndrome; Neoplastic Syndromes, Hereditary; Hereditary Cancer Syndrome; Tumor predisposition. Identifiers: Orphanet 140162, MedGen C0027672, MeSH D009386, MONDO:0015356.
Benign cystic nephroma. Also called: Cystic nephroma. Identifiers: MedGen C1266138, MONDO:0002385, HP:0034836.
Follicular thyroid carcinoma. Also called: Thyroid gland follicular carcinoma; Thyroid cancer, follicular. Identifiers: MedGen C0206682, MONDO:0005034, HP:0006731.
Embryonal rhabdomyosarcoma (ERMS). Also called: Botryoid rhabdomyosarcoma (type of ERMS); Spindle cell rhabdomyosarcomas (type of ERMS). Identifiers: Orphanet 99757, MedGen C0206656, MONDO:0009993, HP:0006743.
Pleuropulmonary blastoma (PPB). Identifiers: Orphanet 64742, MedGen C1266144, MONDO:0011014, OMIM 601200, HP:0100528.

Submissions 1 to 7 of 10:

ClinGen DICER1 and miRNA-Processing Gene Variant Curation Expert Panel, ClinGen
Classification: Pathogenic for DICER1-related tumor predisposition. Last evaluated: 2025-01-07. Review status: reviewed by expert panel. Criteria: ClinGen DICER1 ACMG Specifications DICER1 V1.3.0. Collection method: curation. Allele origin: germline. Inheritance: Autosomal dominant inheritance.
Comment: The NM_177438.2:c.5428G>T variant in DICER1 is a missense variant predicted to cause substitution of aspartic acid by tyrosine at amino acid 1810 (p.Asp1810Tyr). This variant received a total of 1 phenotype point across 1 unrelated proband meeting DICER1 VCEP phenotype specificity scoring criteria of 1-1.5 points (PS4_Supporting, PMID: 26925222). This variant was identified as a de novo occurrence with constitutional mosaicism (PS2; PMID: 26925222). This variant is absent from gnomAD v4.1.0 (PM2_Supporting). In vitro cleavage assays showed that this variant fails to produce 5p microRNAs from a pre-miRNA, indicating that this variant impacts protein function (PS3_Supporting, PMID:26545620). The computational predictor REVEL gives a score of 0.923, which is above the threshold of 0.75, evidence that correlates with impact to DICER1 function (PP3). This variant resides in the p.D1810 metal ion-binding residue located in the RNase IIIb domain of DICER1, that is defined as a mutational hotspot and critical functional domain by the ClinGen DICER1 VCEP (PM1, PMID: 31342592). In summary, this variant meets the criteria to be classified as PATHOGENIC for DICER1 syndrome based on the ACMG/AMP criteria applied, as specified by the ClinGen DICER1 VCEP: PS4_Supporting, PS2, PM2_Supporting, PS3_Supporting, PP3, PM1 (Bayesian Points: 10; VCEP specifications version 1.3.0; 01/07/2025).

Ambry Genetics
Classification: Pathogenic for Hereditary cancer-predisposing syndrome. Last evaluated: 2026-02-11. Review status: criteria provided, single submitter. Criteria: Ambry Variant Classification Scheme 2023. Collection method: clinical testing. Allele origin: germline. Not counted in ClinVar's aggregate classification.
Comment: The p.D1810Y variant (also known as c.5428G>T), located in coding exon 24 of the DICER1 gene, results from a G to T substitution at nucleotide position 5428. The aspartic acid at codon 1810 is replaced by tyrosine, an amino acid with highly dissimilar properties. This variant is considered to be rare based on population cohorts in the Genome Aggregation Database (gnomAD). This variant has been reported as a de novo occurrence with constitutional mosaicism in an individual with DICER-1-related tumor predisposition syndrome (Brenneman M et al. F1000Res, 2015 Jul;4:214; de Kock L et al. J. Med. Genet., 2016 Jan;53:43-52). This variant resides in the metal ion-binding residue located in the RNase IIIb domain of the DICER1, that is defined as a mutational hotspot and critical functional domain (de Kock L et al. Hum Mutat, 2019 Nov;40:1939-1953). This amino acid position is highly conserved in available vertebrate species. In addition, this alteration is predicted to be deleterious by in silico analysis. In an assay testing DICER1 function, this variant showed a functionally abnormal result (Wu MK et al. Endocr Relat Cancer 2016 Feb;23(2):L1-5). Based on the supporting evidence, this variant is interpreted as a disease-causing mutation.

Institute for Genomic Medicine (IGM) Clinical Laboratory, Nationwide Children's Hospital
Classification: Tier I - Strong for Embryonal rhabdomyosarcoma. Assertion type: diagnostic. Clinical significance: supports diagnosis. Last evaluated: 2024-08-18. Review status: criteria provided, single submitter. Criteria: AMP/ASCO/CAP Guidelines, 2017. Collection method: clinical testing. Allele origin: somatic. Affected: yes.
Comment: Variant has Tier I (strong) clinical significance as a diagnostic inclusion criterion in embryonal rhabdomyosarcoma, based on the following evidence: 1) Appears in one or more well-established professional guidelines (e.g., World Health Organization [WHO]; National Comprehensive Cancer Network [NCCN]) as providing diagnostic, prognostic, or therapeutic information. 2) Diagnostic for a specific tumor type/classification based on well-powered studies with expert-level consensus (Evidence Level B; PMIDs: 34166060, 31900434, 26461232, 30266945, 33846547, 33135284).

Molecular Pathology Unit, Bambino Gesu' Children's Hospital, IRCCS
Classification: Tier III - Unknown for Benign cystic nephroma. Last evaluated: 2024-07-31. Review status: criteria provided, single submitter. Criteria: AMP/ASCO/CAP Guidelines, 2017. Collection method: clinical testing. Allele origin: somatic. Affected: yes. Not counted in ClinVar's aggregate classification.
Comment: This variant is not present in population databases (gnomAD no frequency) and it is reported in Clinvar as Conflicting classifications of pathogenicity. Algorithms developed to predict the effect of missense changes on protein structure and function (SIFT, PolyPhen-2, Mutation Taster) all suggest that this variant is likely to be disruptive. The variant is classified as Tier III

Institute for Genomic Medicine (IGM) Clinical Laboratory, Nationwide Children's Hospital
Classification: Tier I - Strong for Pleuropulmonary blastoma. Assertion type: diagnostic. Clinical significance: supports diagnosis. Last evaluated: 2024-06-21. Review status: criteria provided, single submitter. Criteria: AMP/ASCO/CAP Guidelines, 2017. Collection method: clinical testing. Allele origin: somatic. Affected: yes.
Comment: Variant has Tier I (strong) clinical significance as a diagnostic inclusion criterion in pleuropulmonary blastoma, based on the following evidence: 1) Documented in one or more cancer databases (e.g., St. Jude Pecan, COSMIC, CIViC, OncoKB). 2) Appears in one or more well-established professional guidelines (e.g., World Health Organization [WHO]; National Comprehensive Cancer Network [NCCN]) as providing diagnostic, prognostic, or therapeutic information. 3) Information in the literature supports potential biologic effect of variant (PMIDs: 23132766, 26545620, 31417090). 4) Diagnostic for a specific tumor type/classification according to professional guidelines (Evidence Level A; PMIDs: 23868280, 24675358, 24909177, 26925222, 31603374).

Institute for Genomic Medicine (IGM) Clinical Laboratory, Nationwide Children's Hospital
Classification: Tier I - Strong for Follicular thyroid carcinoma. Assertion type: diagnostic. Clinical significance: supports diagnosis. Last evaluated: 2024-06-05. Review status: criteria provided, single submitter. Criteria: AMP/ASCO/CAP Guidelines, 2017. Collection method: clinical testing. Allele origin: somatic. Affected: yes.
Comment: Variant has Tier I (strong) clinical significance as a diagnostic inclusion criterion in thyroid gland follicular carcinoma, based on the following evidence: 1) Documented in one or more cancer databases (e.g., St. Jude Pecan, COSMIC, CIViC, OncoKB). 2) Appears in one or more well-established professional guidelines (e.g., World Health Organization [WHO]; National Comprehensive Cancer Network [NCCN]) as providing diagnostic, prognostic, or therapeutic information. 3) Information in the literature supports potential biologic effect of variant (PMIDs: 17920623, 23132766, 31417090). 4) Diagnostic for a specific tumor type/classification based on well-powered studies with expert-level consensus (Evidence Level B; PMIDs: 28323992, 24617712, 32228164, 30260442, 27459524, 33080613).

Labcorp Genetics (formerly Invitae), Labcorp
Classification: Uncertain significance for DICER1-related tumor predisposition. Last evaluated: 2022-04-15. Review status: criteria provided, single submitter. Criteria: Invitae Variant Classification Sherloc (09022015). Collection method: clinical testing. Allele origin: germline. Not counted in ClinVar's aggregate classification.
Comment: In summary, the available evidence is currently insufficient to determine the role of this variant in disease. Therefore, it has been classified as a Variant of Uncertain Significance. Studies have shown that this missense change is associated with altered splicing resulting in unknown protein product impact (PMID: 26545620). Algorithms developed to predict the effect of missense changes on protein structure and function (SIFT, PolyPhen-2, Align-GVGD) all suggest that this variant is likely to be disruptive. ClinVar contains an entry for this variant (Variation ID: 933084). This missense change has been observed as a mosaic variant in an individual with pleuropulmonary blastoma, a Sertoli-Leydig cell tumor, and cystic nephroma (PMID: 26925222). This variant is not present in population databases (gnomAD no frequency). This sequence change replaces aspartic acid, which is acidic and polar, with tyrosine, which is neutral and polar, at codon 1810 of the DICER1 protein (p.Asp1810Tyr).